The following is an entry in ClinVar:

ClinVar aggregate classification (germline): Uncertain significance. Review status: criteria provided, multiple submitters, no conflicts (2 of 4 stars). 10 submissions from 6 submitters: Uncertain significance (10). Last evaluated 2025-12-30.

Conditions:
Retinitis pigmentosa 12 (RP12). Also called: RP WITH OR WITHOUT PRESERVED PARAARTERIOLE RETINAL PIGMENT EPITHELIUM; RETINITIS PIGMENTOSA WITH OR WITHOUT PARAARTERIOLAR PRESERVATION OF RETINAL PIGMENT EPITHELIUM; RP WITH OR WITHOUT PPRPE. Identifiers: Orphanet 791, MedGen C1838647, MONDO:0010818, OMIM 600105.
Leber congenital amaurosis 8 (LCA8). Identifiers: Orphanet 65, MedGen C3151202, MONDO:0013453, OMIM 613835.
Pigmented paravenous retinochoroidal atrophy. Identifiers: Orphanet 251295, MedGen C1868310, MONDO:0008246, OMIM 172870.
Retinitis pigmentosa (RP). Identifiers: Orphanet 791, MedGen C0035334, MeSH D012174, MONDO:0019200, OMIM 268000. Inheritance: Autosomal dominant, autosomal recessive and X linked inheritance.
CRB1-related disorder. Also called: CRB1-related condition; CRB1-related disorders.

Allele frequency attached by ClinVar (database versions not stated): gnomAD 0.00001; TOPMed 0.00002; gnomAD exomes 0.00004; ESP Exome Variant Server 0.00008.
gnomAD v4.1: 55 of 1,614,088 alleles (0.0034%); highest among the groups gnomAD compares: Non-Finnish European, 0.0046%; no homozygotes.

Submissions (10):

PreventionGenetics, part of Exact Sciences
Classification: Uncertain significance for CRB1-related condition. Last evaluated: 2025-12-30. Review status: criteria provided, single submitter. Criteria: ACMG Guidelines, 2015. Collection method: clinical testing. Allele origin: germline.
Comment: The CRB1 c.1507A>G variant is predicted to result in the amino acid substitution p.Thr503Ala. To our knowledge, this variant has not been reported in the literature or in a large population database (gnomAD), indicating this variant is rare. At this time, the clinical significance of this variant is uncertain due to the absence of conclusive functional and genetic evidence.

Genome-Nilou Lab
Classification: Uncertain significance for Leber congenital amaurosis 8. Last evaluated: 2023-04-11. Review status: criteria provided, single submitter. Criteria: ACMG Guidelines, 2015. Collection method: clinical testing. Allele origin: germline. Affected: no.

Genome-Nilou Lab
Classification: Uncertain significance for Pigmented paravenous retinochoroidal atrophy. Last evaluated: 2023-04-11. Review status: criteria provided, single submitter. Criteria: ACMG Guidelines, 2015. Collection method: clinical testing. Allele origin: germline. Affected: no.

Genome-Nilou Lab
Classification: Uncertain significance for Retinitis pigmentosa 12. Last evaluated: 2023-04-11. Review status: criteria provided, single submitter. Criteria: ACMG Guidelines, 2015. Collection method: clinical testing. Allele origin: germline. Affected: no.

Labcorp Genetics (formerly Invitae), Labcorp
Classification: Uncertain significance for Leber congenital amaurosis 8; Retinitis pigmentosa 12. Last evaluated: 2022-03-12. Review status: criteria provided, single submitter. Criteria: Invitae Variant Classification Sherloc (09022015). Collection method: clinical testing. Allele origin: germline.
Comment: This sequence change replaces threonine, which is neutral and polar, with alanine, which is neutral and non-polar, at codon 503 of the CRB1 protein (p.Thr503Ala). This variant is not present in population databases (gnomAD no frequency). This variant has not been reported in the literature in individuals affected with CRB1-related conditions. ClinVar contains an entry for this variant (Variation ID: 294671). Advanced modeling of protein sequence and biophysical properties (such as structural, functional, and spatial information, amino acid conservation, physicochemical variation, residue mobility, and thermodynamic stability) performed at Invitae indicates that this missense variant is not expected to disrupt CRB1 protein function. In summary, the available evidence is currently insufficient to determine the role of this variant in disease. Therefore, it has been classified as a Variant of Uncertain Significance.

Fulgent Genetics
Classification: Uncertain significance for Pigmented paravenous retinochoroidal atrophy; Retinitis pigmentosa 12; Leber congenital amaurosis 8. Last evaluated: 2022-01-18. Review status: criteria provided, single submitter. Criteria: ACMG Guidelines, 2015. Collection method: clinical testing. Allele origin: unknown.

Blueprint Genetics
Classification: Uncertain significance. Last evaluated: 2020-10-26. Review status: criteria provided, single submitter. Criteria: ACMG Guidelines, 2015. Collection method: clinical testing. Allele origin: germline.

Illumina Laboratory Services, Illumina
Classification: Uncertain significance for Pigmented paravenous retinochoroidal atrophy. Last evaluated: 2018-01-12. Review status: criteria provided, single submitter. Criteria: ICSL Variant Classification Criteria 13 December 2019. Collection method: clinical testing. Allele origin: germline.

Illumina Laboratory Services, Illumina
Classification: Uncertain significance for Leber congenital amaurosis 8. Last evaluated: 2018-01-12. Review status: criteria provided, single submitter. Criteria: ICSL Variant Classification Criteria 13 December 2019. Collection method: clinical testing. Allele origin: germline.

Illumina Laboratory Services, Illumina
Classification: Uncertain significance for Retinitis pigmentosa. Last evaluated: 2018-01-12. Review status: criteria provided, single submitter. Criteria: ICSL Variant Classification Criteria 13 December 2019. Collection method: clinical testing. Allele origin: germline.

NM_201253.3(CRB1):c.1507A>G (p.Thr503Ala)

Gene: CRB1 (crumbs cell polarity complex component 1; plus strand). Cytogenetic location: 1q31.3.
Variant type: single nucleotide variant.
Coding change: c.1507A>G on transcript NM_201253.3 (MANE Select); coding-DNA position 1507, A replaced by G.
Protein change: p.Thr503Ala; replaces threonine 503 with alanine.
Molecular consequence: missense variant. On other transcripts: non-coding transcript variant (2).
Genome position (GRCh38, 1-based): chr1:197,421,335, A>G. VCF-style: chr1-197421335-A-G. GRCh37 (hg19) VCF-style: chr1-197390465-A-G.
Other names: c.1171A>G, p.Thr391Ala (NM_001193640.2); c.1300A>G, p.Thr434Ala (NM_001257965.2); c.1507A>G, p.Thr503Ala (NM_001257966.2); short protein forms T503A, T391A, T434A.
Identifiers: ClinVar variation 294671 (VCV000294671.10), dbSNP rs375590765, ClinGen allele CA10609324.
Genomic context (GRCh38, chr1:197,421,335, plus strand): 5'-GCAACCACACTTTCATTTGAGGGCGATGGCTTCCTGTGGGTCAAAAGTGGCTCAGTGACA[A>G]CCAAGGGCTCAGTTTGTAACATAGCCCTCAGGTTTCAGACTGTTCAGCCAATGGCTCTTC-3'
Protein context (NP_957705.1, residues 493-513): FLWVKSGSVT[Thr503Ala]KGSVCNIALR